The following is an entry in ClinVar:

ClinVar aggregate classification (germline): Likely pathogenic (1 of 4 stars; one submission).

Conditions:
Hypotrichosis 8 (HYPT8). Also called: HYPOTRICHOSIS, LOCALIZED, AUTOSOMAL RECESSIVE 3. Identifiers: Orphanet 55654, MedGen C3279470, MONDO:0010206, OMIM 278150.

Submission:

SIB Swiss Institute of Bioinformatics
Classification: Likely pathogenic for Hypotrichosis 8. Review status: criteria provided, single submitter. Criteria: ACMG Guidelines, 2015. Collection method: curation. Allele origin: unknown.
Comment: This variant is interpreted as likely pathogenic for Hypotrichosis 8, autosomal recessive. The following ACMG Tag(s) were applied: Absent from controls (or at extremely low frequency if recessive) in Exome Sequencing Project, 1000 Genomes Project, or Exome Aggregation Consortium (PM2); Cosegregation with disease in multiple affected family members in a gene definitively known to cause the disease (PP1 upgraded to strong); Well-established functional studies show a deleterious effect (PS3 downgraded to supporting); Multiple lines of computational evidence support a deleterious effect on the gene or gene product (PP3).

Literature cited by the submitters: PubMed 19292720; PubMed 36173926.

NM_001162498.3(LPAR6):c.742A>T (p.Asn248Tyr)

Genes: LPAR6 (lysophosphatidic acid receptor 6; minus strand), RB1 (RB transcriptional corepressor 1; plus strand). Cytogenetic location: 13q14.2.
Variant type: single nucleotide variant.
Coding change: c.742A>T on transcript NM_001162498.3 (MANE Select); coding-DNA position 742, A replaced by T.
Protein change: p.Asn248Tyr; replaces asparagine 248 with tyrosine.
Molecular consequence: missense variant. On other transcripts: intron variant (2).
Genome position (GRCh38, 1-based): chr13:48,411,682, T>A on the plus strand (A>T on the coding strand, the complement: LPAR6 is on the minus strand). VCF-style: chr13-48411682-T-A. GRCh37 (hg19) VCF-style: chr13-48985818-T-A.
Other names: c.742A>T, p.Asn248Tyr (NM_001162497.3, NM_001377316.2, NM_001377317.2 and 1 more transcripts); c.1695+30239T>A (NM_001407165.1, NM_000321.3); short protein forms N248Y.
Identifiers: ClinVar variation 2505340 (VCV002505340.1), dbSNP rs2542256275, ClinGen allele CA388158041.